The following is an entry in ClinVar:

ClinVar aggregate classification (germline): Pathogenic (1 of 4 stars; one submission).

Submission:

Labcorp Genetics (formerly Invitae), Labcorp
Classification: Pathogenic. Last evaluated: 2023-07-29. Review status: criteria provided, single submitter. Criteria: Invitae Variant Classification Sherloc (09022015). Collection method: clinical testing. Allele origin: germline.
Comment: This sequence change creates a premature translational stop signal (p.Ser224Glnfs*9) in the COL13A1 gene. It is expected to result in an absent or disrupted protein product. Loss-of-function variants in COL13A1 are known to be pathogenic (PMID: 26626625). For these reasons, this variant has been classified as Pathogenic. This variant has not been reported in the literature in individuals affected with COL13A1-related conditions. This variant is not present in population databases (gnomAD no frequency).

Literature cited by the submitters: PubMed 26626625.

NM_001368882.1(COL13A1):c.685-1210_685-1204del

Gene: COL13A1 (collagen type XIII alpha 1 chain; plus strand). Cytogenetic location: 10q22.1.
Variant type: Deletion.
Coding change: c.685-1210_685-1204del on transcript NM_001368882.1 (MANE Select); 1210 bases into the intron before coding-DNA position 685 through 1204 bases into the intron before coding-DNA position 685, 7 bases deleted (AGCATGC; older notation c.685-1210_685-1204delAGCATGC).
Molecular consequence: intron variant. On other transcripts: frameshift variant (4).
Genome position (GRCh38, 1-based): chr10:69,897,487-69,897,493, AGCATGC deleted; deleting any 7 consecutive bases within chr10:69,897,485-69,897,493 gives the same sequence; the c. name uses the placement nearest the transcript's 3' end. VCF-style (leftmost placement, unchanged base first): chr10-69897484-AGCAGCAT-A. GRCh37 (hg19) VCF-style: chr10-71657240-AGCAGCAT-A.
Other names: c.670_676del, p.Ser224fs (NM_001130103.2, NM_080801.4, NM_080802.4); c.583_589del, p.Ser195fs (NM_080805.4); c.685-1210_685-1204del (NM_001320951.2, NM_001368884.1); c.658-1210_658-1204del (NM_080800.4); c.85-1210_85-1204del (NM_001368886.1); c.649-1210_649-1204del (NM_001368883.1, NM_001368885.1); c.571-1210_571-1204del (NM_001368897.1); c.595-1210_595-1204del (NM_001368895.1); and 1 more; short protein forms S224fs, S195fs.
Identifiers: ClinVar variation 2748230 (VCV002748230.3), dbSNP rs2544553087, ClinGen allele CA2697558412.